The following is an entry in ClinVar:

NM_007186.6(CEP250):c.6826C>T (p.Gln2276Ter)

Gene: CEP250 (centrosomal protein 250; plus strand). Cytogenetic location: 20q11.22.
Variant type: single nucleotide variant.
Coding change: c.6826C>T on transcript NM_007186.6 (MANE Select); coding-DNA position 6826, C replaced by T.
Protein change: p.Gln2276Ter; replaces glutamine 2276 with a stop codon.
Molecular consequence: nonsense.
Genome position (GRCh38, 1-based): chr20:35,508,110, C>T. VCF-style: chr20-35508110-C-T. GRCh37 (hg19) VCF-style: chr20-34095939-C-T.
Other names: c.4930C>T, p.Gln1644Ter (NM_001318219.1); short protein forms Q1644*, Q2276*.
Identifiers: ClinVar variation 1444081 (VCV001444081.6), dbSNP rs2147208997, ClinGen allele CA408759942.

ClinVar aggregate classification (germline): Pathogenic (1 of 4 stars; one submission).

Allele frequency attached by ClinVar (database versions not stated): gnomAD exomes below 0.00001.
gnomAD v4.1: 1 of 1,614,136 alleles (0.000062%); highest among the groups gnomAD compares: Non-Finnish European, 0.000085%; no homozygotes.

Submission:

Labcorp Genetics (formerly Invitae), Labcorp
Classification: Pathogenic. Last evaluated: 2021-01-28. Review status: criteria provided, single submitter. Criteria: Invitae Variant Classification Sherloc (09022015). Collection method: clinical testing. Allele origin: germline.
Comment: This variant is not present in population databases (ExAC no frequency). For these reasons, this variant has been classified as Pathogenic. This variant has not been reported in the literature in individuals with CEP250-related conditions. This sequence change creates a premature translational stop signal (p.Gln2276*) in the CEP250 gene. It is expected to result in an absent or disrupted protein product. Loss-of-function variants in CEP250 are known to be pathogenic (PMID: 24780881, 29718797).

Literature cited by the submitters: PubMed 24780881; PubMed 29718797.